The following is an entry in ClinVar:

NM_001369.3(DNAH5):c.149del (p.Leu50fs)

Gene: DNAH5 (dynein axonemal heavy chain 5; minus strand). Cytogenetic location: 5p15.2.
Variant type: Deletion.
Coding change: c.149del on transcript NM_001369.3 (MANE Select); coding-DNA position 149, one base deleted (T; older notation c.149delT).
Protein change: p.Leu50fs; shifts the reading frame from leucine 50.
Molecular consequence: frameshift variant.
Genome position (GRCh38, 1-based): chr5:13,931,153, A deleted on the plus strand (T on the coding strand, the reverse complement: DNAH5 is on the minus strand). VCF-style (leftmost placement, unchanged base first): chr5-13931152-CA-C. GRCh37 (hg19) VCF-style: chr5-13931261-CA-C.
Other names: short protein forms L50fs.
Identifiers: ClinVar variation 1726175 (VCV001726175.2), dbSNP rs2547182699, ClinGen allele CA2580072106.

ClinVar aggregate classification (germline): Likely pathogenic (1 of 4 stars; one submission).

Conditions:
Primary ciliary dyskinesia 3. Identifiers: Orphanet 244, MedGen C1837618, MONDO:0012085, OMIM 608644.

Submission:

Myriad Genetics, Inc.
Classification: Likely pathogenic for Primary ciliary dyskinesia 3. Last evaluated: 2022-05-19. Review status: criteria provided, single submitter. Criteria: Myriad Women's Health Autosomal Recessive and X-Linked Classification Criteria (2021). Collection method: clinical testing. Allele origin: unknown.
Comment: NM_001369.2(DNAH5):c.149delT(L50Rfs*49) is expected to be pathogenic in the context of DNAH5-related primary ciliary dyskinesia. This variant is predicted to lead to an abnormal or absent protein product due to the creation of a premature termination codon in DNAH5, a gene where loss-of-function variants are known to be pathogenic. Please note: this variant was assessed in the context of healthy population screening.